The following is an entry in ClinVar:

NM_138694.4(PKHD1):c.8212C>G (p.Leu2738Val)

Gene: PKHD1 (PKHD1 ciliary IPT domain containing fibrocystin/polyductin; minus strand). Cytogenetic location: 6p12.2.
Variant type: single nucleotide variant.
Coding change: c.8212C>G on transcript NM_138694.4 (MANE Select); coding-DNA position 8212, C replaced by G.
Protein change: p.Leu2738Val; replaces leucine 2738 with valine.
Molecular consequence: missense variant.
Genome position (GRCh38, 1-based): chr6:51,830,951, G>C on the plus strand (C>G on the coding strand, the complement: PKHD1 is on the minus strand). VCF-style: chr6-51830951-G-C. GRCh37 (hg19) VCF-style: chr6-51695749-G-C.
Other names: c.8212C>G, p.Leu2738Val (NM_170724.3); c.8212C>G (NM_138694.3); short protein forms L2738V.
Identifiers: ClinVar variation 1422808 (VCV001422808.4), dbSNP rs761723122, ClinGen allele CA3851696.
Genomic context (GRCh38, chr6:51,830,951, plus strand): 5'-CTGGAATGGTATTGTTGTATCCTCCCCAGCCTTCTTCAACACCTTGCCATGTTTCAGGGA[G>C]GGACCATTTTAAAGCTGATTCAGGGGCAGAGGTAGAAGCTAGAAAATAAAAAAAAATTTT-3'
Protein context (NP_619639.3, residues 2728-2748): SAPESALKWS[Leu2738Val]PETWQGVEEG

ClinVar aggregate classification (germline): Uncertain significance. Review status: criteria provided, multiple submitters, no conflicts (2 of 4 stars). 2 submissions from 2 submitters: Uncertain significance (2). Last evaluated 2025-03-01.

Conditions:
Autosomal recessive polycystic kidney disease (ARPKD). Also called: AR polycystic kidney disease. Identifiers: Orphanet 731, Orphanet 8378, MedGen C0085548, MeSH D017044, MONDO:0009889.
Inborn genetic diseases. Identifiers: MedGen C0950123, MeSH D030342.

Allele frequency attached by ClinVar (database versions not stated): gnomAD 0.00001; TOPMed 0.00001; ExAC 0.00002; gnomAD exomes 0.00003.
gnomAD v4.1: 9 of 1,612,126 alleles (0.00056%); highest among the groups gnomAD compares: East Asian, 0.0089%; no homozygotes.

Submissions (2):

Ambry Genetics
Classification: Uncertain significance for Inborn genetic diseases. Last evaluated: 2025-03-01. Review status: criteria provided, single submitter. Criteria: Ambry Variant Classification Scheme 2023. Collection method: clinical testing. Allele origin: germline.

Labcorp Genetics (formerly Invitae), Labcorp
Classification: Uncertain significance for Autosomal recessive polycystic kidney disease. Last evaluated: 2022-06-05. Review status: criteria provided, single submitter. Criteria: Invitae Variant Classification Sherloc (09022015). Collection method: clinical testing. Allele origin: germline.
Comment: This sequence change replaces leucine, which is neutral and non-polar, with valine, which is neutral and non-polar, at codon 2738 of the PKHD1 protein (p.Leu2738Val). This variant is present in population databases (rs761723122, gnomAD 0.02%). This variant has not been reported in the literature in individuals affected with PKHD1-related conditions. ClinVar contains an entry for this variant (Variation ID: 1422808). Advanced modeling of protein sequence and biophysical properties (such as structural, functional, and spatial information, amino acid conservation, physicochemical variation, residue mobility, and thermodynamic stability) performed at Invitae indicates that this missense variant is not expected to disrupt PKHD1 protein function. In summary, the available evidence is currently insufficient to determine the role of this variant in disease. Therefore, it has been classified as a Variant of Uncertain Significance.